The following is an entry in ClinVar:

NM_001845.6(COL4A1):c.155G>T (p.Gly52Val)

Gene: COL4A1 (collagen type IV alpha 1 chain; minus strand). Cytogenetic location: 13q34.
Variant type: single nucleotide variant.
Coding change: c.155G>T on transcript NM_001845.6 (MANE Select); coding-DNA position 155, G replaced by T.
Protein change: p.Gly52Val; replaces glycine 52 with valine.
Molecular consequence: missense variant.
Genome position (GRCh38, 1-based): chr13:110,214,005, C>A on the plus strand (G>T on the coding strand, the complement: COL4A1 is on the minus strand). VCF-style: chr13-110214005-C-A. GRCh37 (hg19) VCF-style: chr13-110866352-C-A.
Other names: c.155G>T, p.Gly52Val (NM_001303110.2); short protein forms G52V.
Identifiers: ClinVar variation 1348132 (VCV001348132.6), dbSNP rs2139207389, ClinGen allele CA388727179.

ClinVar aggregate classification (germline): Likely pathogenic (1 of 4 stars; one submission).

Submission:

Labcorp Genetics (formerly Invitae), Labcorp
Classification: Likely pathogenic. Last evaluated: 2021-10-10. Review status: criteria provided, single submitter. Criteria: Invitae Variant Classification Sherloc (09022015). Collection method: clinical testing. Allele origin: germline.
Comment: This variant has not been reported in the literature in individuals affected with COL4A1-related conditions. In summary, the currently available evidence indicates that the variant is pathogenic, but additional data are needed to prove that conclusively. Therefore, this variant has been classified as Likely Pathogenic. This variant disrupts the triple helix domain of COL4A1. Glycine residues within the Gly-Xaa-Yaa repeats of the triple helix domain are required for the structure and stability of fibrillar collagens (PMID: 7695699, 8218237, 19344236). In COL4A1 variants affecting these glycine residues are significantly enriched in individuals with disease (PMID: 9016532, 17078022) compared to the general population (ExAC). Advanced modeling of protein sequence and biophysical properties (such as structural, functional, and spatial information, amino acid conservation, physicochemical variation, residue mobility, and thermodynamic stability) performed at Invitae indicates that this missense variant is expected to disrupt COL4A1 protein function. This variant is not present in population databases (ExAC no frequency). This sequence change replaces glycine with valine at codon 52 of the COL4A1 protein (p.Gly52Val). The glycine residue is highly conserved and there is a moderate physicochemical difference between glycine and valine.

Literature cited by the submitters: PubMed 7695699; PubMed 8218237; PubMed 19344236; PubMed 9016532; PubMed 17078022.